The following is an entry in ClinVar:

ClinVar aggregate classification (germline): Likely benign (0 of 4 stars; one submission).

Conditions:
PLXNA1-related disorder. Also called: PLXNA1-related condition.

Allele frequency attached by ClinVar (database versions not stated): 1000 Genomes Project 30x 0.00016.
gnomAD v4.1: 51 of 1,613,608 alleles (0.0032%); highest among the groups gnomAD compares: African/African-American, 0.04%; no homozygotes.

Submission:

PreventionGenetics, part of Exact Sciences
Classification: Likely benign for PLXNA1-related condition. Last evaluated: 2021-11-05. Review status: no assertion criteria provided. Collection method: clinical testing. Allele origin: germline.
Comment: This variant is classified as likely benign based on ACMG/AMP sequence variant interpretation guidelines (Richards et al. 2015 PMID: 25741868, with internal and published modifications).

NM_032242.4(PLXNA1):c.846C>A (p.Ile282=)

Gene: PLXNA1 (plexin A1; plus strand). Cytogenetic location: 3q21.3.
Variant type: single nucleotide variant.
Coding change: c.846C>A on transcript NM_032242.4 (MANE Select); coding-DNA position 846, C replaced by A.
Protein change: p.Ile282=; no amino-acid change (isoleucine 282 retained).
Molecular consequence: synonymous variant.
Genome position (GRCh38, 1-based): chr3:126,989,439, C>A. VCF-style: chr3-126989439-C-A. GRCh37 (hg19) VCF-style: chr3-126708282-C-A.
Identifiers: ClinVar variation 3032568 (VCV003032568.2), dbSNP rs146246704, ClinGen allele CA2593060.
Genomic context (GRCh38, chr3:126,989,439, plus strand): 5'-GCTAGACACACAGCTGACCTCGCCTGATGCCGCCGGCGAGCACTTCTTCACGTCCAAGAT[C>A]GTGCGGCTCTGTGTGGACGACCCCAAATTCTACTCGTACGTTGAGTTCCCCATTGGCTGC-3'
Protein context (NP_115618.3, residues 272-292): AAGEHFFTSK[Ile282=]VRLCVDDPKF